The following is an entry in ClinVar:

ClinVar aggregate classification (germline): Uncertain significance (1 of 4 stars; one submission).

Conditions:
Cardiovascular phenotype. Identifiers: MedGen CN230736.

gnomAD v4.1: 3 of 1,613,814 alleles (0.00019%); highest among the groups gnomAD compares: Non-Finnish European, 0.00025%; no homozygotes.

Submission:

Ambry Genetics
Classification: Uncertain significance for Cardiovascular phenotype. Last evaluated: 2023-08-25. Review status: criteria provided, single submitter. Criteria: Ambry Variant Classification Scheme 2023. Collection method: clinical testing. Allele origin: germline.
Comment: The p.T189P variant (also known as c.565A>C), located in coding exon 4 of the SCN1B gene, results from an A to C substitution at nucleotide position 565. The threonine at codon 189 is replaced by proline, an amino acid with highly similar properties. This amino acid position is conserved. In addition, the in silico prediction for this alteration is inconclusive. Since supporting evidence is limited at this time, the clinical significance of this alteration remains unclear.

NM_001037.5(SCN1B):c.565A>C (p.Thr189Pro)

Gene: SCN1B (sodium voltage-gated channel beta subunit 1; plus strand). Cytogenetic location: 19q13.11.
Variant type: single nucleotide variant.
Coding change: c.565A>C on transcript NM_001037.5 (MANE Select); coding-DNA position 565, A replaced by C.
Protein change: p.Thr189Pro; replaces threonine 189 with proline.
Molecular consequence: missense variant.
Genome position (GRCh38, 1-based): chr19:35,039,233, A>C. VCF-style: chr19-35039233-A-C. GRCh37 (hg19) VCF-style: chr19-35530137-A-C.
Other names: c.466A>C, p.Thr156Pro (NM_001321605.2); short protein forms T189P, T156P.
Identifiers: ClinVar variation 2619396 (VCV002619396.2), dbSNP rs753867968, ClinGen allele CA405330143.